The following is an entry in ClinVar:

ClinVar aggregate classification (germline): Conflicting classifications of pathogenicity. Review status: criteria provided, conflicting classifications (1 of 4 stars). 3 submissions from 3 submitters: Likely pathogenic (1); Uncertain significance (2). Last evaluated 2024-10-02.

Conditions:
Peeling skin syndrome 6 (PSS6). Identifiers: MedGen C4748093, MONDO:0054852, OMIM 618084.

Allele frequency attached by ClinVar (database versions not stated): 1000 Genomes Project 30x 0.00016; ExAC 0.00058; gnomAD 0.00066 and 0.00074; ESP Exome Variant Server 0.00072; gnomAD exomes 0.00075 and 0.00103; TOPMed 0.00078 and 0.00080.

Submissions (3):

GeneDx
Classification: Uncertain significance. Last evaluated: 2024-10-02. Review status: criteria provided, single submitter. Criteria: GeneDx Variant Classification Process June 2021. Collection method: clinical testing. Allele origin: germline. Affected: yes.
Comment: Reported previously in association with atopic dermatitis (PMID: 36403663); Frameshift variant predicted to result in abnormal protein length as the last 1358 amino acids are replaced with 191 different amino acids; This variant is associated with the following publications: (PMID: 36403663)

Department of Pathology and Laboratory Medicine, Sinai Health System
Classification: Likely pathogenic for Peeling skin syndrome 6. Last evaluated: 2023-05-16. Review status: criteria provided, single submitter. Criteria: ACMG Guidelines, 2015. Collection method: research. Allele origin: germline.

Johns Hopkins Genomics, Johns Hopkins University
Classification: Uncertain significance for Peeling skin syndrome 6. Last evaluated: 2023-01-03. Review status: criteria provided, single submitter. Criteria: ACMG Guidelines, 2015. Collection method: clinical testing. Allele origin: germline.

Literature cited by the submitters: PubMed 28884927 (cited by Johns Hopkins Genomics, Johns Hopkins University); PubMed 29505760 (cited by Johns Hopkins Genomics, Johns Hopkins University); PubMed 29758285 (cited by Johns Hopkins Genomics, Johns Hopkins University); PubMed 36403663 (cited by Johns Hopkins Genomics, Johns Hopkins University).

NM_001014342.3(FLG2):c.3101_3104del (p.Gln1034fs)

Genes: CCDST (cervical cancer associated DHX9 suppressive transcript; plus strand), FLG2 (filaggrin 2; minus strand). Cytogenetic location: 1q21.3.
Variant type: Deletion.
Coding change: c.3101_3104del on transcript NM_001014342.3 (MANE Select); coding-DNA positions 3101 to 3104, 4 bases deleted (AATA; older notation c.3101_3104delAATA).
Protein change: p.Gln1034fs; shifts the reading frame from glutamine 1034.
Molecular consequence: frameshift variant.
Genome position (GRCh38, 1-based): chr1:152,354,682-152,354,685, TATT deleted on the plus strand (AATA on the coding strand, the reverse complement: FLG2 is on the minus strand). VCF-style (leftmost placement, unchanged base first): chr1-152354681-GTATT-G. GRCh37 (hg19) VCF-style: chr1-152327157-GTATT-G.
Other names: c.3101_3104del (NM_001014342.2); short protein forms Q1034fs.
Identifiers: ClinVar variation 2443044 (VCV002443044.3), dbSNP rs556285121, ClinGen allele CA1108975.
Genomic context (GRCh38, chr1:152,354,681, plus strand): 5'-CCCATGTTGTCCAAAGCCAGAGGACTGATCTGAGCCTGATCCATGTTGTCCAAAGCCTGA[GTATT>G]GGCCTGAGCTTGACCTGTGTTGTCCAAAGCCAGTTGTCTGTCCTGAACTAGACCCATGTT-3'